The following is an entry in ClinVar:

NM_001436401.1(NOBOX):c.1550C>T (p.Pro517Leu)

Gene: NOBOX (NOBOX oogenesis homeobox; minus strand). Cytogenetic location: 7q35.
Variant type: single nucleotide variant.
Coding change: c.1550C>T on transcript NM_001436401.1 (MANE Select); coding-DNA position 1550, C replaced by T.
Protein change: p.Pro517Leu; replaces proline 517 with leucine.
Molecular consequence: missense variant.
Genome position (GRCh38, 1-based): chr7:144,397,415, G>A on the plus strand (C>T on the coding strand, the complement: NOBOX is on the minus strand). VCF-style: chr7-144397415-G-A. GRCh37 (hg19) VCF-style: chr7-144094508-G-A.
Other names: c.998C>T, p.Pro333Leu (NM_001436402.1); short protein forms P333L, P517L.
Identifiers: ClinVar variation 2658131 (VCV002658131.24), dbSNP rs1213668924, ClinGen allele CA369693757.

ClinVar aggregate classification (germline): Uncertain significance (1 of 4 stars; one submission).

Allele frequency attached by ClinVar (database versions not stated): gnomAD exomes below 0.00001.
gnomAD v4.1: 7 of 1,537,254 alleles (0.00046%); highest among the groups gnomAD compares: Middle Eastern, 0.033%; no homozygotes.

Submission:

CeGaT Center for Human Genetics Tuebingen
Classification: Uncertain significance. Last evaluated: 2023-07-01. Review status: criteria provided, single submitter. Criteria: CeGaT Center For Human Genetics Tuebingen Variant Classification Criteria Version 2. Collection method: clinical testing. Allele origin: germline. Affected: yes. Observed: 1 variant allele.
Comment: NOBOX: PM2